The following is an entry in ClinVar:

ClinVar aggregate classification (germline): Pathogenic (1 of 4 stars; one submission).

Conditions:
Lynch syndrome 4 (LYNCH4). Also called: Hereditary non-polyposis colorectal cancer, type 4; Colorectal cancer, hereditary nonpolyposis, type 4. Identifiers: Orphanet 144, MedGen C1838333, MONDO:0013699, OMIM 614337. Disease mechanism: loss of function.

Submission:

Myriad Genetics, Inc.
Classification: Pathogenic for Lynch syndrome 4. Last evaluated: 2023-09-22. Review status: criteria provided, single submitter. Criteria: Myriad Autosomal Dominant, Autosomal Recessive and X-Linked Classification Criteria (2023). Collection method: clinical testing. Allele origin: unknown.
Comment: This variant is considered pathogenic. This variant creates a frameshift predicted to result in premature protein truncation.

NM_000535.7(PMS2):c.2425_2426del (p.Ser809fs)

Gene: PMS2 (PMS1 homolog 2, mismatch repair system component; minus strand). Cytogenetic location: 7p22.1.
Variant type: Deletion.
Coding change: c.2425_2426del on transcript NM_000535.7 (MANE Select); coding-DNA positions 2425 to 2426, 2 bases deleted (TC; older notation c.2425_2426delTC).
Protein change: p.Ser809fs; shifts the reading frame from serine 809.
Molecular consequence: frameshift variant. On other transcripts: non-coding transcript variant (1).
Genome position (GRCh38, 1-based): chr7:5,977,607-5,977,608, GA deleted on the plus strand (TC on the coding strand, the reverse complement: PMS2 is on the minus strand); deleting any 2 consecutive bases within chr7:5,977,607-5,977,609 gives the same sequence; the c. name uses the placement nearest the transcript's 3' end. VCF-style (leftmost placement, unchanged base first): chr7-5977606-GGA-G. GRCh37 (hg19) VCF-style: chr7-6017237-GGA-G.
Other names: c.2019_2020delCT, p.Ser674Glnfs (NM_001018040.1); c.2020_2021del, p.Ser674fs (NM_001322003.2, NM_001322004.2, NM_001322005.2 and 11 more transcripts); c.2269_2270del, p.Ser757fs (NM_001322006.2); c.2107_2108del, p.Ser703fs (NM_001322007.2, NM_001322008.2, NM_001406883.1); c.2053_2054del, p.Ser685fs (NM_001322009.2, NM_001406887.1, NM_001406888.1); c.1864_1865del, p.Ser622fs (NM_001322010.2, NM_001406906.1, NM_001406907.1); c.1492_1493del, p.Ser498fs (NM_001322011.2, NM_001322012.2); c.1852_1853del, p.Ser618fs (NM_001322013.2, NM_001406908.1, NM_001406909.1); and 21 more; short protein forms S408fs, S498fs, S552fs, S570fs, S618fs, S622fs, S638fs, S647fs.
Identifiers: ClinVar variation 2674224 (VCV002674224.1), dbSNP rs2535310311, ClinGen allele CA2695198396.
Genomic context (GRCh38, chr7:5,977,606, plus strand): 5'-AGCTTGAGCAGCTGAGCTGACAGCCAGGCTTTCTTTACTTACCGACTTCCGGCAGGCTCT[GGA>G]GGCAAACATCTGCTTGACTCGGGAAGGCCGGCACATGACCCCAGGGCTGTCGCTCAGCAT-3'